The following is an entry in ClinVar:

ClinVar aggregate classification (germline): Uncertain significance. Review status: criteria provided, multiple submitters, no conflicts (2 of 4 stars). 3 submissions from 3 submitters: Uncertain significance (3). Last evaluated 2025-10-29.

Conditions:
Microphthalmia, syndromic 9. Also called: ANOPHTHALMIA, CLINICAL, WITH MILD FACIAL DYSMORPHISM AND VARIABLE MALFORMATIONS OF THE LUNG, HEART, AND DIAPHRAGM; ANOPHTHALMIA/MICROPHTHALMIA AND PULMONARY HYPOPLASIA; PULMONARY AGENESIS, MICROPHTHALMIA, AND DIAPHRAGMATIC DEFECT; SPEAR SYNDROME; Matthew-Wood syndrome. Identifiers: Orphanet 2470, MedGen C1832661, MONDO:0011010, OMIM 601186.
Inborn genetic diseases. Identifiers: MedGen C0950123, MeSH D030342.

gnomAD v4.1: 69 of 1,613,498 alleles (0.0043%); highest among the groups gnomAD compares: South Asian, 0.063%; 1 homozygote.

Submissions (3):

Ambry Genetics
Classification: Uncertain significance for Inborn genetic diseases. Last evaluated: 2025-10-29. Review status: criteria provided, single submitter. Criteria: Ambry Variant Classification Scheme 2023. Collection method: clinical testing. Allele origin: germline.

Blueprint Genetics
Classification: Uncertain significance. Last evaluated: 2022-09-07. Review status: criteria provided, single submitter. Criteria: ACMG Guidelines, 2015. Collection method: clinical testing. Allele origin: germline.

Labcorp Genetics (formerly Invitae), Labcorp
Classification: Uncertain significance for Microphthalmia, syndromic 9. Last evaluated: 2022-03-13. Review status: criteria provided, single submitter. Criteria: Invitae Variant Classification Sherloc (09022015). Collection method: clinical testing. Allele origin: germline.
Comment: This sequence change replaces alanine, which is neutral and non-polar, with serine, which is neutral and polar, at codon 54 of the STRA6 protein (p.Ala54Ser). This variant is present in population databases (rs370760511, gnomAD 0.03%). This variant has not been reported in the literature in individuals affected with STRA6-related conditions. Algorithms developed to predict the effect of missense changes on protein structure and function are either unavailable or do not agree on the potential impact of this missense change (SIFT: "Tolerated"; PolyPhen-2: "Possibly Damaging"; Align-GVGD: "Class C0"). In summary, the available evidence is currently insufficient to determine the role of this variant in disease. Therefore, it has been classified as a Variant of Uncertain Significance.

NM_022369.4(STRA6):c.160G>T (p.Ala54Ser)

Gene: STRA6 (signaling receptor and transporter of retinol STRA6; minus strand). Cytogenetic location: 15q24.1.
Variant type: single nucleotide variant.
Coding change: c.160G>T on transcript NM_022369.4 (MANE Select); coding-DNA position 160, G replaced by T.
Protein change: p.Ala54Ser; replaces alanine 54 with serine.
Molecular consequence: missense variant.
Genome position (GRCh38, 1-based): chr15:74,197,772, C>A on the plus strand (G>T on the coding strand, the complement: STRA6 is on the minus strand). VCF-style: chr15-74197772-C-A. GRCh37 (hg19) VCF-style: chr15-74490113-C-A.
Other names: c.160G>T, p.Ala54Ser (NM_001142617.2, NM_001142618.2, NM_001142619.2 and 1 more transcripts); c.271G>T, p.Ala91Ser (NM_001199040.2); c.205G>T, p.Ala69Ser (NM_001199041.2); c.277G>T, p.Ala93Ser (NM_001199042.2); c.160G>T (NM_022369.3); short protein forms A54S, A93S, A69S, A91S.
Identifiers: ClinVar variation 2086115 (VCV002086115.8), dbSNP rs370760511, ClinGen allele CA7655083.
Genomic context (GRCh38, chr15:74,197,772, plus strand): 5'-CAGCAGCTTGCAAGCCAGGTTCAACTTGGGTTGGACTCACTGACAGCGAGGCCAGGCAGG[C>A]GTGGTACAGGCCGGGTGGTATGCTGGTGTGGCAGGAGGGCACTTCCCTGCAGAGCAAATG-3'
Protein context (NP_071764.3, residues 44-64): HTSIPPGLYH[Ala54Ser]CLASLSILVL